The following is an entry in ClinVar:

ClinVar aggregate classification (germline): Conflicting classifications of pathogenicity. Review status: criteria provided, conflicting classifications (1 of 4 stars). 7 submissions from 7 submitters: Uncertain significance (1); Benign (2); Likely benign (2). 2 of the submissions do not count toward it. Last evaluated 2026-07-16.

Conditions:
BCOR-related disorder. Also called: BCOR-related disorders; BCOR-related condition.
History of neurodevelopmental disorder. Identifiers: MedGen C2711754.
Oculofaciocardiodental syndrome (MCOPS2). Identifiers: Orphanet 2712, MedGen C1846265, MONDO:0010261, OMIM 300166.

Allele frequency attached by ClinVar (database versions not stated): gnomAD exomes 0.00073; ExAC 0.00081; gnomAD 0.00245 and 0.00258; ESP Exome Variant Server 0.00275; TOPMed 0.00287; 1000 Genomes Project 0.00291; 1000 Genomes Project 30x 0.00291.
gnomAD v4.1: 564 of 1,208,860 alleles (0.047%); highest among the groups gnomAD compares: African/African-American, 0.89%; 3 homozygotes.

Submissions (7):

PreventionGenetics, part of Exact Sciences
Classification: Benign for BCOR-related condition. Last evaluated: 2026-07-16. Review status: criteria provided, single submitter. Criteria: ACMG Guidelines, 2015. Collection method: clinical testing. Allele origin: germline.
Comment: This variant is classified as benign based on ACMG/AMP sequence variant interpretation guidelines (Richards et al. 2015 PMID: 25741868, with internal and published modifications).

Labcorp Genetics (formerly Invitae), Labcorp
Classification: Benign for Oculofaciocardiodental syndrome. Last evaluated: 2025-11-27. Review status: criteria provided, single submitter. Criteria: Invitae Variant Classification Sherloc (09022015). Collection method: clinical testing. Allele origin: germline.

Blueprint Genetics
Classification: Likely benign. Last evaluated: 2023-12-08. Review status: criteria provided, single submitter. Criteria: ACMG Guidelines, 2015. Collection method: clinical testing. Allele origin: germline.

Genetic Services Laboratory, University of Chicago
Classification: Uncertain significance. Last evaluated: 2014-10-08. Review status: criteria provided, single submitter. Criteria: ACMG Guidelines, 2015. Collection method: clinical testing. Allele origin: germline.

Ambry Genetics
Classification: Likely benign for History of neurodevelopmental disorder. Last evaluated: 2011-11-01. Review status: criteria provided, single submitter. Criteria: Ambry Autosomal Dominant and X-Linked criteria (10/2015). Collection method: clinical testing. Allele origin: germline. Observed: 1 variant allele.

Clinical Genetics DNA and cytogenetics Diagnostics Lab, Erasmus MC, Erasmus Medical Center
Classification: Likely benign. Review status: no assertion criteria provided. Collection method: clinical testing. Allele origin: germline. Affected: yes. Study: VKGL Data-share Consensus. Not counted in ClinVar's aggregate classification.

Clinical Genetics, Academic Medical Center
Classification: Benign. Review status: no assertion criteria provided. Collection method: clinical testing. Allele origin: germline. Affected: yes. Study: VKGL Data-share Consensus. Not counted in ClinVar's aggregate classification.

NM_001123385.2(BCOR):c.408C>T (p.Ala136=)

Genes: BCOR (BCL6 corepressor; minus strand), LOC126863239 (MED14-independent group 3 enhancer GRCh37_chrX:39932994-39934193; plus strand). Cytogenetic location: Xp11.4.
Variant type: single nucleotide variant.
Coding change: c.408C>T on transcript NM_001123385.2 (MANE Select); coding-DNA position 408, C replaced by T.
Protein change: p.Ala136=; no amino-acid change (alanine 136 retained).
Molecular consequence: synonymous variant.
Genome position (GRCh38, 1-based): chrX:40,074,938, G>A on the plus strand (C>T on the coding strand, the complement: BCOR is on the minus strand). VCF-style: chrX-40074938-G-A. GRCh37 (hg19) VCF-style: chrX-39934191-G-A.
Other names: c.408C>T, p.Ala136= (NM_001123383.2, NM_001123384.2, NM_017745.6).
Identifiers: ClinVar variation 210521 (VCV000210521.23), dbSNP rs139802143, ClinGen allele CA205791.
Genomic context (GRCh38, chrX:40,074,938, plus strand): 5'-TTGTATTCCAGGCGGTGTTTTGTATATAGCACTGAAGCCATTTGGGGGTTTTCCAGAGAC[G>A]GCAGAAGCCTCCACTGTCTCGGGTGTATTCGGTTTGAACTGCATCTCTGGATTTCTTTCC-3'
Protein context (NP_001116857.1, residues 126-146): PNTPETVEAS[Ala136=]VSGKPPNGFS